The following is an entry in ClinVar:

NM_004333.6(BRAF):c.*7T>C

Gene: BRAF (B-Raf proto-oncogene, serine/threonine kinase; minus strand). Cytogenetic location: 7q34.
Variant type: single nucleotide variant.
Coding change: c.*7T>C on transcript NM_004333.6 (MANE Select); 7 bases downstream of the stop codon, T replaced by C.
Molecular consequence: 3 prime UTR variant. On other transcripts: intron variant (9).
Genome position (GRCh38, 1-based): chr7:140,734,590, A>G on the plus strand (T>C on the coding strand, the complement: BRAF is on the minus strand). VCF-style: chr7-140734590-A-G. GRCh37 (hg19) VCF-style: chr7-140434390-A-G.
Other names: c.*7T>C (NM_001374244.1, NM_001378469.1, NM_001378473.1); c.2127+5222T>C (NM_001378474.1, NM_001378468.1); c.2179+27T>C (NM_001378470.1); c.2017+27T>C (NM_001378475.1); c.2170+27T>C (NM_001378471.1); c.2281+27T>C (NM_001354609.2); c.2401+27T>C (NM_001374258.1); c.2290+27T>C (NM_001378467.1); and 1 more.
Identifiers: ClinVar variation 162794 (VCV000162794.10), dbSNP rs727502903, ClinGen allele CA175333.
Genomic context (GRCh38, chr7:140,734,590, plus strand): 5'-TAAGCAAACATATGTTCATTTATTTTCCTTTTGTTGCTACTCTCCTGAACTCTCTCACTC[A>G]TTTGTTTCAGTGGACAGGAAACGCACCATATCCCCCTGCCTGGATGGGTGTTTTTGGAGA-3'

ClinVar aggregate classification (germline): Likely benign. Review status: reviewed by expert panel (3 of 4 stars). 5 submissions from 4 submitters: Likely benign (1). 4 of the submissions do not count toward it. Last evaluated 2020-01-31.

Conditions:
Noonan syndrome 7 (NS7). Also called: BRAF-Related Noonan Syndrome. Identifiers: Orphanet 648, MedGen C3150970, MONDO:0013379, OMIM 613706.
RASopathy. Also called: Noonan spectrum disorder; rasopathies. Identifiers: Orphanet 536391, MedGen C5555857, MONDO:0021060.
LEOPARD syndrome 3 (LPRD3). Identifiers: Orphanet 500, MedGen C3150971, MONDO:0013380, OMIM 613707.

Allele frequency attached by ClinVar (database versions not stated): gnomAD exomes 0.00002 and below 0.00001; TOPMed 0.00002; gnomAD 0.00002.
gnomAD v4.1: 35 of 1,613,758 alleles (0.0022%); highest among the groups gnomAD compares: Non-Finnish European, 0.0028%; no homozygotes.

Submissions (5):

ClinGen RASopathy Variant Curation Expert Panel
Classification: Likely benign for RASopathy. Last evaluated: 2020-01-31. Review status: reviewed by expert panel. Criteria: ClinGen RASopathy ACMG Specifications v1. Collection method: curation. Allele origin: germline. Inheritance: Autosomal dominant inheritance.
Comment: The c.*7T>C variant in the 3' UTR of BRAF is classified as likely benign because it occurs in a noncoding region, computational splice analyses do not predict an impact on splicing, and Alamut indicates that this nucleotide is not highly conserved (BP4, BP7). It has been identified in 0.0008791% (1/113754) of non-Finnish European chromosomes in gnomAD v2. RASopathy-specific ACMG/AMP Criteria applied (PMID:29493581): BP4, BP7.

Women's Health and Genetics/Laboratory Corporation of America, LabCorp
Classification: Uncertain significance. Last evaluated: 2023-06-10. Review status: criteria provided, single submitter. Criteria: LabCorp Variant Classification Summary - May 2015. Collection method: clinical testing. Allele origin: germline. Not counted in ClinVar's aggregate classification.

Illumina Laboratory Services, Illumina
Classification: Uncertain significance for LEOPARD syndrome 3. Last evaluated: 2018-01-13. Review status: criteria provided, single submitter. Criteria: ICSL Variant Classification Criteria 13 December 2019. Collection method: clinical testing. Allele origin: germline. Not counted in ClinVar's aggregate classification.

Illumina Laboratory Services, Illumina
Classification: Uncertain significance for Noonan syndrome 7. Last evaluated: 2018-01-13. Review status: criteria provided, single submitter. Criteria: ICSL Variant Classification Criteria 13 December 2019. Collection method: clinical testing. Allele origin: germline. Not counted in ClinVar's aggregate classification.

Laboratory for Molecular Medicine, Mass General Brigham Personalized Medicine
Classification: Likely benign. Last evaluated: 2010-08-06. Review status: criteria provided, single submitter. Criteria: LMM Criteria. Collection method: clinical testing. Allele origin: germline. Observed: 1 variant allele. Not counted in ClinVar's aggregate classification.
Comment: The 2301+7T>C variant in BRAF occurs in the 3' UTR. This variant has not been pr eviously reported in the literature or been identified in our laboratory. This v ariant is not located in a region of high nucleotide conservation; however, this type of variant has not been previously reported as pathogenic in an individual with a Noonan spectrum disorder. The 3'UTR contains regulatory elements essenti al for the regulation and transport of the mRNA transcript, and variants in this region could result in dysregulation or disruption of these functions. While it is likely that this variant is benign, we cannot rule out that it may contribut e to the clinical features observed in this individual.